The following is an entry in ClinVar:

ClinVar aggregate classification (germline): Uncertain significance (1 of 4 stars; one submission).

Submission:

Women's Health and Genetics/Laboratory Corporation of America, LabCorp
Classification: Uncertain significance. Last evaluated: 2026-02-23. Review status: criteria provided, single submitter. Criteria: LabCorp Variant Classification Summary - May 2015. Collection method: clinical testing. Allele origin: germline.
Comment: Variant summary: PKD1 c.6640C>A (p.Pro2214Thr) results in a non-conservative amino acid change in the encoded protein sequence. Algorithms developed to predict the effect of missense changes on protein structure and function are either unavailable or do not agree on the potential impact of this missense change. The variant was absent in 238792 control chromosomes. The available data on variant occurrences in the general population are insufficient to allow any conclusion about variant significance. To our knowledge, no occurrence of c.6640C>A in individuals affected with PKD1-related conditions and no experimental evidence demonstrating its impact on protein function have been reported. No submitters have cited clinical-significance assessments for this variant to ClinVar. Based on the evidence outlined above, the variant was classified as uncertain significance.

NM_001009944.3(PKD1):c.6640C>A (p.Pro2214Thr)

Gene: PKD1 (polycystin 1, transient receptor potential channel interacting; minus strand). Cytogenetic location: 16p13.3.
Variant type: single nucleotide variant.
Coding change: c.6640C>A on transcript NM_001009944.3 (MANE Select); coding-DNA position 6640, C replaced by A.
Protein change: p.Pro2214Thr; replaces proline 2214 with threonine.
Molecular consequence: missense variant.
Genome position (GRCh38, 1-based): chr16:2,108,527, G>T on the plus strand (C>A on the coding strand, the complement: PKD1 is on the minus strand). VCF-style: chr16-2108527-G-T. GRCh37 (hg19) VCF-style: chr16-2158528-G-T.
Other names: c.6640C>A, p.Pro2214Thr (NM_000296.4); short protein forms P2214T.
Identifiers: ClinVar variation 4848175 (VCV004848175.1).
Genomic context (GRCh38, chr16:2,108,527, plus strand): 5'-CGACAAACACAAAGCAGTAGTGCCCCACAGGCAGCGCCAGCCGCGGCAGCACCAGCCGAG[G>T]CCGGCTCACGTCCACGCCGGGCAGGGCCACACGCGCTGGGCGCCCCGGCCGCTGGCAGCT-3'
Protein context (NP_001009944.3, residues 2204-2224): VALPGVDVSR[Pro2214Thr]RLVLPRLALP